The following is an entry in ClinVar:

NM_001134363.3(RBM20):c.2746G>A (p.Glu916Lys)

Gene: RBM20 (RNA binding motif protein 20; plus strand). Cytogenetic location: 10q25.2.
Variant type: single nucleotide variant.
Coding change: c.2746G>A on transcript NM_001134363.3 (MANE Select); coding-DNA position 2746, G replaced by A.
Protein change: p.Glu916Lys; replaces glutamic acid 916 with lysine.
Molecular consequence: missense variant.
Genome position (GRCh38, 1-based): chr10:110,821,365, G>A. VCF-style: chr10-110821365-G-A. GRCh37 (hg19) VCF-style: chr10-112581123-G-A.
Other names: short protein forms E916K.
Identifiers: ClinVar variation 179425 (VCV000179425.11), dbSNP rs727504859, ClinGen allele CA273625.

ClinVar aggregate classification (germline): Conflicting classifications of pathogenicity. Review status: criteria provided, conflicting classifications (1 of 4 stars). 2 submissions from 2 submitters: Likely pathogenic (1); Uncertain significance (1). Last evaluated 2021-11-09.

Conditions:
Primary dilated cardiomyopathy (DCM). Also called: Dilated Cardiomyopathy. Identifiers: Orphanet 217604, MedGen C0007193, MeSH D002311, MONDO:0005021, HP:0001644. Inheritance: Various modes of inheritance.
Dilated cardiomyopathy 1DD (CMD1DD). Identifiers: Orphanet 154, MedGen C2750995, MONDO:0013168, OMIM 613172.

Submissions (2):

Labcorp Genetics (formerly Invitae), Labcorp
Classification: Uncertain significance for Dilated cardiomyopathy 1DD. Last evaluated: 2021-11-09. Review status: criteria provided, single submitter. Criteria: Invitae Variant Classification Sherloc (09022015). Collection method: clinical testing. Allele origin: germline.
Comment: Advanced modeling of protein sequence and biophysical properties (such as structural, functional, and spatial information, amino acid conservation, physicochemical variation, residue mobility, and thermodynamic stability) performed at Invitae indicates that this missense variant is not expected to disrupt RBM20 protein function. ClinVar contains an entry for this variant (Variation ID: 179425). This variant has not been reported in the literature in individuals affected with RBM20-related conditions. This variant is not present in population databases (gnomAD no frequency). This sequence change replaces glutamic acid, which is acidic and polar, with lysine, which is basic and polar, at codon 916 of the RBM20 protein (p.Glu916Lys). In summary, the available evidence is currently insufficient to determine the role of this variant in disease. Therefore, it has been classified as a Variant of Uncertain Significance.

Laboratory for Molecular Medicine, Mass General Brigham Personalized Medicine
Classification: Likely pathogenic for Primary dilated cardiomyopathy. Last evaluated: 2014-05-09. Review status: criteria provided, single submitter. Criteria: LMM Criteria. Collection method: clinical testing. Allele origin: germline. Inheritance: Autosomal dominant inheritance. Observed: 2 variant alleles.
Comment: This variant was was absent from large population s tudies. Computational prediction tools and conservation analysis do not provide strong support for or against an impact to the protein. While pathogenic variant s in RBM20 have been reported in cases of DCM within exon 9 (Brauch 2009, Li 201 0), the impact of variants in other regions is currently unclear. In summary, al though additional studies are required to fully establish its clinical significa nce, the segregation with and presentation of disease in this family support tha t the Glu916Lys variant is likely pathogenic.